The following is an entry in ClinVar:

ClinVar aggregate classification (germline): Likely pathogenic (1 of 4 stars; one submission).

Submission:

GeneDx
Classification: Likely pathogenic. Last evaluated: 2018-07-05. Review status: criteria provided, single submitter. Criteria: GeneDx Variant Classification (06012015). Collection method: clinical testing. Allele origin: germline. Affected: yes.
Comment: The C2871X variant in the LRP2 gene has not been reported previously as a pathogenic variant nor as a benign variant, to our knowledge. This variant is predicted to cause loss of normal protein function either through protein truncation or nonsense-mediated mRNA decay. The C2871X variant is not observed in large population cohorts (Lek et al., 2016). We interpret C2871X as a likely pathogenic variant.

NM_004525.3(LRP2):c.8613C>A (p.Cys2871Ter)

Gene: LRP2 (LDL receptor related protein 2; minus strand). Cytogenetic location: 2q31.1.
Variant type: single nucleotide variant.
Coding change: c.8613C>A on transcript NM_004525.3 (MANE Select); coding-DNA position 8613, C replaced by A.
Protein change: p.Cys2871Ter; replaces cysteine 2871 with a stop codon.
Molecular consequence: nonsense.
Genome position (GRCh38, 1-based): chr2:169,196,996, G>T on the plus strand (C>A on the coding strand, the complement: LRP2 is on the minus strand). VCF-style: chr2-169196996-G-T. GRCh37 (hg19) VCF-style: chr2-170053506-G-T.
Other names: short protein forms C2871*.
Identifiers: ClinVar variation 620245 (VCV000620245.1), dbSNP rs772158739, ClinGen allele CA349162741.
Genomic context (GRCh38, chr2:169,196,996, plus strand): 5'-ATCAAAACAATCTGTTTCTTGATCACAATACCAATGTTGAGGAATACAGCGCCCAGATGC[G>T]CATTGGAACTCACTGCTGCTGCACGTGTGAGTGGCTGCAGGAGGGAAAGAAGATAAAACC-3'